The following is an entry in ClinVar:

ClinVar aggregate classification (germline): Pathogenic (1 of 4 stars; one submission).

Submission:

Mayo Clinic Laboratories, Mayo Clinic
Classification: Pathogenic. Last evaluated: 2023-03-09. Review status: criteria provided, single submitter. Criteria: ACMG Guidelines, 2015. Collection method: clinical testing. Allele origin: germline. Observed: 1 variant allele.
Comment: PM2, PS4_moderate, PVS1

NM_000132.4(F8):c.3870dup (p.Gly1291fs)

Gene: F8 (coagulation factor VIII; minus strand). Cytogenetic location: Xq28.
Variant type: Duplication.
Coding change: c.3870dup on transcript NM_000132.4 (MANE Select); coding-DNA position 3870, one base duplicated (A; older notation c.3870dupA).
Protein change: p.Gly1291fs; shifts the reading frame from glycine 1291.
Molecular consequence: frameshift variant.
Genome position (GRCh38, 1-based): chrX:154,929,920, T duplicated on the plus strand (A on the coding strand, the reverse complement: F8 is on the minus strand); the first of 7 consecutive T bases (chrX:154,929,920-154,929,926); duplicating any one gives the same sequence. VCF-style (leftmost placement, unchanged base first): chrX-154929919-C-CT. GRCh37 (hg19) VCF-style: chrX-154158194-C-CT.
Other names: p.Gly1291Argfs*29; short protein forms G1291fs.
Identifiers: ClinVar variation 2683576 (VCV002683576.1), dbSNP rs1426645898, ClinGen allele CA645616770.
Genomic context (GRCh38, chrX:154,929,919, plus strand): 5'-CATATTTCTCTACAATTTGCTTGGTTTGATTTCCCAAGCCTTCCAAGTTTTCTTCCTCCC[C>CT]TTTTTTTGAGAAATGAGCTGTGTGTTTCTTTGTTCTATTTGTTGAATCATTTAATGACCT-3'